The following is an entry in ClinVar:

ClinVar aggregate classification (germline): Pathogenic (1 of 4 stars; one submission).

Allele frequency attached by ClinVar (database versions not stated): TOPMed 0.00002.
gnomAD v4.1: 61 of 1,613,838 alleles (0.0038%); highest among the groups gnomAD compares: Non-Finnish European, 0.005%; no homozygotes.

Submission:

Labcorp Genetics (formerly Invitae), Labcorp
Classification: Pathogenic. Last evaluated: 2025-12-21. Review status: criteria provided, single submitter. Criteria: Invitae Variant Classification Sherloc (09022015). Collection method: clinical testing. Allele origin: germline.
Comment: This sequence change creates a premature translational stop signal (p.Arg82*) in the PLOD3 gene. It is expected to result in an absent or disrupted protein product. Loss-of-function variants in PLOD3 are known to be pathogenic (PMID: 30237576). This variant is present in population databases (rs773194811, gnomAD 0.007%). This variant has not been reported in the literature in individuals affected with PLOD3-related conditions. ClinVar contains an entry for this variant (Variation ID: 1428774). Algorithms developed to predict the effect of sequence changes on RNA splicing suggest that this variant may disrupt the consensus splice site. For these reasons, this variant has been classified as Pathogenic.

Literature cited by the submitters: PubMed 30237576.

NM_001084.5(PLOD3):c.244C>T (p.Arg82Ter)

Gene: PLOD3 (procollagen-lysine,2-oxoglutarate 5-dioxygenase 3; minus strand). Cytogenetic location: 7q22.1.
Variant type: single nucleotide variant.
Coding change: c.244C>T on transcript NM_001084.5 (MANE Select); coding-DNA position 244, C replaced by T.
Protein change: p.Arg82Ter; replaces arginine 82 with a stop codon.
Molecular consequence: nonsense.
Genome position (GRCh38, 1-based): chr7:101,216,504, G>A on the plus strand (C>T on the coding strand, the complement: PLOD3 is on the minus strand). VCF-style: chr7-101216504-G-A. GRCh37 (hg19) VCF-style: chr7-100859785-G-A.
Other names: short protein forms R82*.
Identifiers: ClinVar variation 1428774 (VCV001428774.6), dbSNP rs773194811, ClinGen allele CA4408257.